The following is an entry in ClinVar:

ClinVar aggregate classification (germline): Uncertain significance. Review status: criteria provided, multiple submitters, no conflicts (2 of 4 stars). 2 submissions from 2 submitters: Uncertain significance (2). Last evaluated 2025-05-05.

Allele frequency attached by ClinVar (database versions not stated): gnomAD 0.00001; gnomAD exomes 0.00001; TOPMed 0.00002.
gnomAD v4.1: 21 of 1,613,868 alleles (0.0013%); highest among the groups gnomAD compares: Non-Finnish European, 0.0018%; no homozygotes.

Submissions (2):

Labcorp Genetics (formerly Invitae), Labcorp
Classification: Uncertain significance. Last evaluated: 2025-05-05. Review status: criteria provided, single submitter. Criteria: Invitae Variant Classification Sherloc (09022015). Collection method: clinical testing. Allele origin: germline.
Comment: This sequence change replaces threonine, which is neutral and polar, with isoleucine, which is neutral and non-polar, at codon 126 of the SLC51B protein (p.Thr126Ile). This variant is present in population databases (no rsID available, gnomAD 0.01%). This variant has not been reported in the literature in individuals affected with SLC51B-related conditions. ClinVar contains an entry for this variant (Variation ID: 2469676). An algorithm developed to predict the effect of missense changes on protein structure and function (PolyPhen-2) suggests that this variant is likely to be tolerated. In summary, the available evidence is currently insufficient to determine the role of this variant in disease. Therefore, it has been classified as a Variant of Uncertain Significance.

Ambry Genetics
Classification: Uncertain significance. Last evaluated: 2023-01-10. Review status: criteria provided, single submitter. Criteria: Ambry Variant Classification Scheme 2023. Collection method: clinical testing. Allele origin: germline.

NM_178859.4(SLC51B):c.377C>T (p.Thr126Ile)

Genes: RASL12 (RAS like family 12; minus strand), SLC51B (SLC51 subunit beta; plus strand). Cytogenetic location: 15q22.31.
Variant type: single nucleotide variant.
Coding change: c.377C>T on transcript NM_178859.4 (MANE Select); coding-DNA position 377, C replaced by T.
Protein change: p.Thr126Ile; replaces threonine 126 with isoleucine.
Molecular consequence: missense variant.
Genome position (GRCh38, 1-based): chr15:65,053,154, C>T. VCF-style: chr15-65053154-C-T. GRCh37 (hg19) VCF-style: chr15-65345492-C-T.
Other names: short protein forms T126I.
Identifiers: ClinVar variation 2469676 (VCV002469676.3), dbSNP rs1198881480, ClinGen allele CA392842999.